The following is an entry in ClinVar:

ClinVar aggregate classification (germline): Uncertain significance (1 of 4 stars; one submission).

Conditions:
ALG6-congenital disorder of glycosylation 1C (CDG1C). Also called: Congenital disorder of glycosylation, type Ic; CDG Ic; Congenital disorder of glycosylation type 1C; CARBOHYDRATE-DEFICIENT GLYCOPROTEIN SYNDROME, TYPE I, WITH DEFICIENT GLYCOSYLATION OF DOLICHOL-LINKED OLIGOSACCHARIDE; CARBOHYDRATE-DEFICIENT GLYCOPROTEIN SYNDROME, TYPE V. Identifiers: Orphanet 79320, MedGen C2930997, MONDO:0011291, OMIM 603147.

Allele frequency attached by ClinVar (database versions not stated): gnomAD exomes below 0.00001.
gnomAD v4.1: 2 of 1,611,660 alleles (0.00012%); highest among the groups gnomAD compares: Middle Eastern, 0.017%; no homozygotes.

Submission:

Labcorp Genetics (formerly Invitae), Labcorp
Classification: Uncertain significance for ALG6-congenital disorder of glycosylation 1C. Last evaluated: 2022-07-08. Review status: criteria provided, single submitter. Criteria: Invitae Variant Classification Sherloc (09022015). Collection method: clinical testing. Allele origin: germline.
Comment: This variant is not present in population databases (gnomAD no frequency). This variant has not been reported in the literature in individuals affected with ALG6-related conditions. Algorithms developed to predict the effect of missense changes on protein structure and function are either unavailable or do not agree on the potential impact of this missense change (SIFT: "Tolerated"; PolyPhen-2: "Possibly Damaging"; Align-GVGD: "Class C0"). In summary, the available evidence is currently insufficient to determine the role of this variant in disease. Therefore, it has been classified as a Variant of Uncertain Significance. This sequence change replaces asparagine, which is neutral and polar, with serine, which is neutral and polar, at codon 277 of the ALG6 protein (p.Asn277Ser).

NM_013339.4(ALG6):c.830A>G (p.Asn277Ser)

Gene: ALG6 (ALG6 alpha-1,3-glucosyltransferase; plus strand). Cytogenetic location: 1p31.3.
Variant type: single nucleotide variant.
Coding change: c.830A>G on transcript NM_013339.4 (MANE Select); coding-DNA position 830, A replaced by G.
Protein change: p.Asn277Ser; replaces asparagine 277 with serine.
Molecular consequence: missense variant.
Genome position (GRCh38, 1-based): chr1:63,414,074, A>G. VCF-style: chr1-63414074-A-G. GRCh37 (hg19) VCF-style: chr1-63879745-A-G.
Other names: short protein forms N277S.
Identifiers: ClinVar variation 1939111 (VCV001939111.5), dbSNP rs2523755464, ClinGen allele CA340636387.
Genomic context (GRCh38, chr1:63,414,074, plus strand): 5'-TTTCTTTCAATTATACCAGAATGTAAAGCTAACAAATCTCTTTTAAGGATAAAGTAGCCA[A>G]TATTTGGTGCAGCTTCAATGTCTTTCTGAAGATTAAGGATATTTTGCCACGTCACATCCA-3'
Protein context (NP_037471.2, residues 267-287): DRGLFEDKVA[Asn277Ser]IWCSFNVFLK